The following is an entry in ClinVar:

ClinVar aggregate classification (germline): Conflicting classifications of pathogenicity. Review status: criteria provided, conflicting classifications (1 of 4 stars). 3 submissions from 3 submitters: Uncertain significance (2); Likely benign (1). Last evaluated 2024-07-24.

Conditions:
Hereditary breast ovarian cancer syndrome. Also called: Hereditary breast and ovarian cancer syndrome (HBOC); BRCA1- and BRCA2-Associated Hereditary Breast and Ovarian Cancer; Hereditary breast and/or ovarian cancer syndrome; Hereditary breast and ovarian cancer syndrome; Hereditary breast and ovarian cancer; Breast and ovarian cancer. Identifiers: Orphanet 145, MedGen C0677776, MeSH D061325, MONDO:0003582. Disease mechanism: loss of function.
Hereditary cancer-predisposing syndrome. Also called: Neoplastic Syndromes, Hereditary; Hereditary neoplastic syndrome; Tumor predisposition; Hereditary Cancer Syndrome. Identifiers: Orphanet 140162, MedGen C0027672, MeSH D009386, MONDO:0015356.

Submissions (4):

Labcorp Genetics (formerly Invitae), Labcorp
Classification: Uncertain significance for Hereditary breast ovarian cancer syndrome. Last evaluated: 2024-07-24. Review status: criteria provided, single submitter. Criteria: Invitae Variant Classification Sherloc (09022015). Collection method: clinical testing. Allele origin: germline.
Comment: This sequence change replaces arginine, which is basic and polar, with lysine, which is basic and polar, at codon 1762 of the BRCA1 protein (p.Arg1762Lys). This variant is not present in population databases (gnomAD no frequency). This variant has not been reported in the literature in individuals affected with BRCA1-related conditions. ClinVar contains an entry for this variant (Variation ID: 422395). Advanced modeling performed at Invitae incorporating data from internal and/or published experimental studies (PMID: 30209399) indicates that this missense variant is not expected to disrupt BRCA1 function with a negative predictive value of 95%. In summary, the available evidence is currently insufficient to determine the role of this variant in disease. Therefore, it has been classified as a Variant of Uncertain Significance.

Ambry Genetics
Classification: Likely benign for Hereditary cancer-predisposing syndrome. Last evaluated: 2019-11-05. Review status: criteria provided, single submitter. Criteria: Ambry Variant Classification Scheme 2023. Collection method: clinical testing. Allele origin: germline.

GeneDx
Classification: Uncertain significance. Last evaluated: 2016-09-30. Review status: criteria provided, single submitter. Criteria: GeneDx Variant Classification (06012015). Collection method: clinical testing. Allele origin: germline. Affected: yes.
Comment: This variant is denoted BRCA1 c.5285G>A at the cDNA level, p.Arg1762Lys (R1762K) at the protein level, and results in the change of an Arginine to a Lysine (AGG>AAG). Using alternate nomenclature, this variant would be defined as BRCA1 5404G>A. This variant has not, to our knowledge, been published in the literature as pathogenic or benign. BRCA1 Arg1762Lys was not observed in approximately 6,500 individuals of European and African American ancestry in the NHLBI Exome Sequencing Project, suggesting it is not a common benign variant in these populations. Since Arginine and Lysine share similar properties, this is considered a conservative amino acid substitution. BRCA1 Arg1762Lys occurs at a position that is not conserved and is located in the BRCT2 Domain and a region known to interact with multiple other proteins (Paul 2014, UniProt). In silico analyses predict that this variant is unlikely to alter protein structure or function. Based on currently available evidence, it is unclear whether BRCA1 Arg1762Lys is a pathogenic or benign variant. We consider it to be a variant of uncertain significance.

Brotman Baty Institute, University of Washington
No classification provided (evidence only). Condition: Breast-ovarian cancer, familial 1. Review status: no classification provided. Collection method: in vitro. Allele origin: not applicable. Functional consequence: functionally_normal. Not counted in ClinVar's aggregate classification.
ClinVar note: "not provided" was previously submitted as the classification for the variant. However, the classification appeared to be based only on an observation of functional data so it was converted to no classification on 2025-07-30.

Literature cited by the submitters: PubMed 30209399 (cited by Labcorp Genetics (formerly Invitae), Labcorp).

NM_007294.4(BRCA1):c.5285G>A (p.Arg1762Lys)

Gene: BRCA1 (BRCA1 DNA repair associated; minus strand). Cytogenetic location: 17q21.31.
Variant type: single nucleotide variant.
Coding change: c.5285G>A on transcript NM_007294.4 (MANE Select); coding-DNA position 5285, G replaced by A.
Protein change: p.Arg1762Lys; replaces arginine 1762 with lysine.
Molecular consequence: missense variant. On other transcripts: non-coding transcript variant (1).
Genome position (GRCh38, 1-based): chr17:43,051,110, C>T on the plus strand (G>A on the coding strand, the complement: BRCA1 is on the minus strand). VCF-style: chr17-43051110-C-T. GRCh37 (hg19) VCF-style: chr17-41203127-C-T.
Other names: c.5072G>A, p.Arg1691Lys (NM_001407571.1, NM_001407900.1, NM_001407902.1 and 12 more transcripts); c.5351G>A, p.Arg1784Lys (NM_001407581.1, NM_001407582.1); c.5348G>A, p.Arg1783Lys (NM_001407583.1, NM_001407585.1, NM_001407587.1 and 1 more transcripts); c.5345G>A, p.Arg1782Lys (NM_001407590.1, NM_001407591.1); c.5285G>A, p.Arg1762Lys (NM_001407593.1, NM_001407594.1, NM_001407596.1 and 6 more transcripts); c.5282G>A, p.Arg1761Lys (NM_001407610.1, NM_001407611.1, NM_001407612.1 and 17 more transcripts); c.5279G>A, p.Arg1760Lys (NM_001407628.1, NM_001407629.1, NM_001407630.1 and 14 more transcripts); c.5228G>A, p.Arg1743Lys (NM_001407648.1); and 72 more; short protein forms R1762K, R1715K, R658K, R1783K, R1593K, R1608K, R1634K, R1672K.
Identifiers: ClinVar variation 422395 (VCV000422395.11), dbSNP rs398122694, ClinGen allele CA10590975.
Genomic context (GRCh38, chr17:43,051,110, plus strand): 5'-CCCAGGCTCTTACCTGTGGGCATGTTGGTGAAGGGCCCATAGCAACAGATTTCTAGCCCC[C>T]TGAAGATCTGGAAGAAGAGAGGAAGAGAGAGGGACAGGGGAATGGAGAGAAGGAAAATCT-3'
Protein context (NP_009225.1, residues 1752-1772): ARESQDRKIF[Arg1762Lys]GLEICCYGPF